The following is an entry in ClinVar:

ClinVar aggregate classification (germline): Uncertain significance (1 of 4 stars; one submission).

Allele frequency attached by ClinVar (database versions not stated): gnomAD 0.00002 and 0.00003; gnomAD exomes 0.00002 and 0.00003; TOPMed 0.00003; ExAC 0.00002.
gnomAD v4.1: 42 of 1,613,754 alleles (0.0026%); highest among the groups gnomAD compares: Middle Eastern, 0.016%; no homozygotes.

Submission:

Labcorp Genetics (formerly Invitae), Labcorp
Classification: Uncertain significance. Last evaluated: 2023-06-30. Review status: criteria provided, single submitter. Criteria: Invitae Variant Classification Sherloc (09022015). Collection method: clinical testing. Allele origin: germline.
Comment: This sequence change replaces valine, which is neutral and non-polar, with isoleucine, which is neutral and non-polar, at codon 122 of the RETREG1 protein (p.Val122Ile). This variant is present in population databases (rs749712805, gnomAD 0.005%). This variant has not been reported in the literature in individuals affected with RETREG1-related conditions. ClinVar contains an entry for this variant (Variation ID: 645729). Algorithms developed to predict the effect of missense changes on protein structure and function output the following: SIFT: "Not Available"; PolyPhen-2: "Benign"; Align-GVGD: "Not Available". The isoleucine amino acid residue is found in multiple mammalian species, which suggests that this missense change does not adversely affect protein function. In summary, the available evidence is currently insufficient to determine the role of this variant in disease. Therefore, it has been classified as a Variant of Uncertain Significance.

NM_001034850.3(RETREG1):c.364G>A (p.Val122Ile)

Gene: RETREG1 (reticulophagy regulator 1; minus strand). Cytogenetic location: 5p15.1.
Variant type: single nucleotide variant.
Coding change: c.364G>A on transcript NM_001034850.3 (MANE Select); coding-DNA position 364, G replaced by A.
Protein change: p.Val122Ile; replaces valine 122 with isoleucine.
Molecular consequence: missense variant.
Genome position (GRCh38, 1-based): chr5:16,572,059, C>T on the plus strand (G>A on the coding strand, the complement: RETREG1 is on the minus strand). VCF-style: chr5-16572059-C-T. GRCh37 (hg19) VCF-style: chr5-16572168-C-T.
Other names: short protein forms V122I.
Identifiers: ClinVar variation 645729 (VCV000645729.9), dbSNP rs749712805, ClinGen allele CA3210495.